The following is an entry in ClinVar:

ClinVar aggregate classification (germline): Pathogenic (1 of 4 stars; one submission).

Conditions:
Ataxia-telangiectasia syndrome (AT). Also called: Ataxia-telangiectasia, complementation group E; AT, COMPLEMENTATION GROUP C; ATAXIA-TELANGIECTASIA, COMPLEMENTATION GROUP A; ATAXIA-TELANGIECTASIA, FRESNO VARIANT; Ataxia-telangiectasia; LOUIS-BAR SYNDROME. Identifiers: Orphanet 100, MedGen C0004135, MONDO:0008840, OMIM 208900.

Submission:

Labcorp Genetics (formerly Invitae), Labcorp
Classification: Pathogenic for Ataxia-telangiectasia syndrome. Last evaluated: 2015-08-25. Review status: criteria provided, single submitter. Criteria: Invitae Variant Classification Sherloc (09022015). Collection method: clinical testing. Allele origin: germline.
Comment: This sequence change is a gross deletion of the genomic region encompassing exons 24 - 63 of the ATM gene. The 5' boundary is likely confined to the intronic region between exons 23 and 24; the 3' boundary of this event is unknown as it extends to the edge of the assayed region and may encompass additional genes. However, this deletion is expected to result in a severely truncated and non-functional ATM protein. While this gross deletion has not been reported in the literature, truncating variants in ATM are known to be pathogenic (PMID: 10817650, 19781682). For these reasons, this variant has been classified as Pathogenic.

NC_000011.10:g.(?_108280995)_(108365509_?)del

Genes: ATM (ATM serine/threonine kinase; plus strand), C11orf65 (chromosome 11 open reading frame 65; minus strand), LOC129390354 (MPRA-validated peak1451 silencer; plus strand). Cytogenetic location: 11q22.3.
Variant type: Deletion.
Other names: c.3403-?_(*1_?)del (LRG_135t1).
Identifiers: ClinVar variation 219910 (VCV000219910.1).